The following is an entry in ClinVar:

ClinVar aggregate classification (germline): Uncertain significance. Review status: criteria provided, multiple submitters, no conflicts (2 of 4 stars). 3 submissions from 3 submitters: Uncertain significance (3). Last evaluated 2026-03-04.

Conditions:
Hereditary cancer-predisposing syndrome. Also called: Tumor predisposition; Hereditary neoplastic syndrome; Hereditary Cancer Syndrome; Neoplastic Syndromes, Hereditary. Identifiers: Orphanet 140162, MedGen C0027672, MeSH D009386, MONDO:0015356.
Familial adenomatous polyposis 1 (FAP1). Also called: FAMILIAL ADENOMATOUS POLYPOSIS 1, ATTENUATED; POLYPOSIS, ADENOMATOUS INTESTINAL. Identifiers: MedGen C2713442, MONDO:0021056, OMIM 175100. Disease mechanism: loss of function.

Allele frequency attached by ClinVar (database versions not stated): gnomAD below 0.00001 and 0.00001.
gnomAD v4.1: 2 of 1,614,020 alleles (0.00012%); highest among the groups gnomAD compares: East Asian, 0.0022%; no homozygotes.

Submissions (3):

Ambry Genetics
Classification: Uncertain significance for Hereditary cancer-predisposing syndrome. Last evaluated: 2026-03-04. Review status: criteria provided, single submitter. Criteria: Ambry Variant Classification Scheme 2023. Collection method: clinical testing. Allele origin: germline.
Comment: The p.S844C variant (also known as c.2531C>G), located in coding exon 15 of the APC gene, results from a C to G substitution at nucleotide position 2531. The serine at codon 844 is replaced by cysteine, an amino acid with dissimilar properties. This amino acid position is conserved. In addition, in silico predictors for this gene do not accurately predict pathogenicity. Based on the available evidence, the clinical significance of this variant remains unclear.

Labcorp Genetics (formerly Invitae), Labcorp
Classification: Uncertain significance for Familial adenomatous polyposis 1. Last evaluated: 2024-03-29. Review status: criteria provided, single submitter. Criteria: Invitae Variant Classification Sherloc (09022015). Collection method: clinical testing. Allele origin: germline.
Comment: This sequence change replaces serine, which is neutral and polar, with cysteine, which is neutral and slightly polar, at codon 844 of the APC protein (p.Ser844Cys). This variant is not present in population databases (gnomAD no frequency). This variant has not been reported in the literature in individuals affected with APC-related conditions. ClinVar contains an entry for this variant (Variation ID: 920340). Advanced modeling of protein sequence and biophysical properties (such as structural, functional, and spatial information, amino acid conservation, physicochemical variation, residue mobility, and thermodynamic stability) performed at Invitae indicates that this missense variant is not expected to disrupt APC protein function with a negative predictive value of 95%. In summary, the available evidence is currently insufficient to determine the role of this variant in disease. Therefore, it has been classified as a Variant of Uncertain Significance.

Color Diagnostics, LLC DBA Color Health
Classification: Uncertain significance for Hereditary cancer-predisposing syndrome. Last evaluated: 2024-03-06. Review status: criteria provided, single submitter. Criteria: ACMG Guidelines, 2015. Collection method: clinical testing. Allele origin: germline.
Comment: This missense variant replaces serine with cysteine at codon 844 of the APC protein. Computational prediction suggests that this variant may not impact protein structure and function (internally defined REVEL score threshold <= 0.5, PMID: 27666373). Splice site prediction tools suggest that this variant may not impact RNA splicing. To our knowledge, functional studies have not been performed for this variant. This variant has not been reported in individuals affected with hereditary cancer in the literature. This variant has not been identified in the general population by the Genome Aggregation Database (gnomAD). The available evidence is insufficient to determine the role of this variant in disease conclusively. Therefore, this variant is classified as a Variant of Uncertain Significance.

NM_000038.6(APC):c.2531C>G (p.Ser844Cys)

Gene: APC (APC regulator of Wnt signaling pathway; plus strand). Cytogenetic location: 5q22.2.
Variant type: single nucleotide variant.
Coding change: c.2531C>G on transcript NM_000038.6 (MANE Select); coding-DNA position 2531, C replaced by G.
Protein change: p.Ser844Cys; replaces serine 844 with cysteine.
Molecular consequence: missense variant.
Genome position (GRCh38, 1-based): chr5:112,838,125, C>G. VCF-style: chr5-112838125-C-G. GRCh37 (hg19) VCF-style: chr5-112173822-C-G.
Other names: c.2531C>G, p.Ser844Cys (NM_001127510.3, NM_001354895.2); c.2477C>G, p.Ser826Cys (NM_001127511.3); c.2585C>G, p.Ser862Cys (NM_001354896.2); c.2561C>G, p.Ser854Cys (NM_001354897.2); c.2456C>G, p.Ser819Cys (NM_001354898.2); c.2447C>G, p.Ser816Cys (NM_001354899.2); c.2408C>G, p.Ser803Cys (NM_001354900.2); c.2354C>G, p.Ser785Cys (NM_001354901.2); and 5 more; short protein forms S718C, S743C, S753C, S785C, S819C, S826C, S561C, S803C.
Identifiers: ClinVar variation 920340 (VCV000920340.13), dbSNP rs1554084247, ClinGen allele CA16026879.
Genomic context (GRCh38, chr5:112,838,125, plus strand): 5'-CATATTTGAATACTACAGTGTTACCCAGCTCCTCTTCATCAAGAGGAAGCTTAGATAGTT[C>G]TCGTTCTGAAAAAGATAGAAGTTTGGAGAGAGAACGCGGAATTGGTCTAGGCAACTACCA-3'
Protein context (NP_000029.2, residues 834-854): SSSSRGSLDS[Ser844Cys]RSEKDRSLER